The following is an entry in ClinVar:

ClinVar aggregate classification (germline): Uncertain significance (1 of 4 stars; one submission).

Submission:

Labcorp Genetics (formerly Invitae), Labcorp
Classification: Uncertain significance. Last evaluated: 2022-03-24. Review status: criteria provided, single submitter. Criteria: Invitae Variant Classification Sherloc (09022015). Collection method: clinical testing. Allele origin: germline.
Comment: In summary, the available evidence is currently insufficient to determine the role of this variant in disease. Therefore, it has been classified as a Variant of Uncertain Significance. Algorithms developed to predict the effect of missense changes on protein structure and function are either unavailable or do not agree on the potential impact of this missense change (SIFT: "Tolerated"; PolyPhen-2: "Probably Damaging"; Align-GVGD: "Class C15"). This variant has not been reported in the literature in individuals affected with PCARE-related conditions. This variant is not present in population databases (gnomAD no frequency). This sequence change replaces lysine, which is basic and polar, with asparagine, which is neutral and polar, at codon 421 of the PCARE protein (p.Lys421Asn).

NM_001029883.3(PCARE):c.1263G>T (p.Lys421Asn)

Gene: PCARE (photoreceptor cilium actin regulator; minus strand). Cytogenetic location: 2p23.2.
Variant type: single nucleotide variant.
Coding change: c.1263G>T on transcript NM_001029883.3 (MANE Select); coding-DNA position 1263, G replaced by T.
Protein change: p.Lys421Asn; replaces lysine 421 with asparagine.
Molecular consequence: missense variant.
Genome position (GRCh38, 1-based): chr2:29,072,999, C>A on the plus strand (G>T on the coding strand, the complement: PCARE is on the minus strand). VCF-style: chr2-29072999-C-A. GRCh37 (hg19) VCF-style: chr2-29295865-C-A.
Other names: short protein forms K421N.
Identifiers: ClinVar variation 2116546 (VCV002116546.4), dbSNP rs2465278008, ClinGen allele CA346480555.